The following is an entry in ClinVar:

NM_000092.5(COL4A4):c.4837G>A (p.Gly1613Arg)

Gene: COL4A4 (collagen type IV alpha 4 chain; minus strand). Cytogenetic location: 2q36.3.
Variant type: single nucleotide variant.
Coding change: c.4837G>A on transcript NM_000092.5 (MANE Select); coding-DNA position 4837, G replaced by A.
Protein change: p.Gly1613Arg; replaces glycine 1613 with arginine.
Molecular consequence: missense variant.
Genome position (GRCh38, 1-based): chr2:227,007,561, C>T on the plus strand (G>A on the coding strand, the complement: COL4A4 is on the minus strand). VCF-style: chr2-227007561-C-T. GRCh37 (hg19) VCF-style: chr2-227872277-C-T.
Other names: short protein forms G1613R.
Identifiers: ClinVar variation 1312101 (VCV001312101.4), dbSNP rs377233046, ClinGen allele CA2144034.
Genomic context (GRCh38, chr2:227,007,561, plus strand): 5'-CAAGGAATGGTGCTGCTCTGAAATCTTCCAGGCAGCTGCCAGGTGACATAAGGGCCTGCC[C>T]TCCTCCTTGGTCCCCAGCTCCTGTGTGCTACCCAGAAAACAAGAGAGAATTAGGGCTCAG-3'
Protein context (NP_000083.3, residues 1603-1623): MHTGAGDQGG[Gly1613Arg]QALMSPGSCL

ClinVar aggregate classification (germline): Uncertain significance. Review status: criteria provided, multiple submitters, no conflicts (2 of 4 stars). 3 submissions from 3 submitters: Uncertain significance (3). Last evaluated 2024-07-02.

Conditions:
Inborn genetic diseases. Identifiers: MedGen C0950123, MeSH D030342.
Autosomal recessive Alport syndrome (ATS2). Also called: COL4A4 Alport Syndrome and Thin Basement Membrane Nephropathy; Alport syndrome type 2; COL4A3-Related Nephropathy; ALPORT SYNDROME 2, AUTOSOMAL RECESSIVE. Identifiers: Orphanet 63, Orphanet 88919, MedGen C4746745, MONDO:0008762, OMIM 203780.
Benign familial hematuria. Also called: thin basement membrane disease. Identifiers: MedGen C0241908, MONDO:0957317.

Allele frequency attached by ClinVar (database versions not stated): gnomAD exomes below 0.00001; ExAC 0.00001; gnomAD 0.00003 and 0.00004; TOPMed 0.00003; ESP Exome Variant Server 0.00008.
gnomAD v4.1: 9 of 1,612,646 alleles (0.00056%); highest among the groups gnomAD compares: African/African-American, 0.0093%; no homozygotes.

Submissions (3):

Ambry Genetics
Classification: Uncertain significance for Inborn genetic diseases. Last evaluated: 2024-07-02. Review status: criteria provided, single submitter. Criteria: Ambry Variant Classification Scheme 2023. Collection method: clinical testing. Allele origin: germline.

Fulgent Genetics
Classification: Uncertain significance for Hematuria, benign familial, 1; Autosomal recessive Alport syndrome. Last evaluated: 2022-01-10. Review status: criteria provided, single submitter. Criteria: ACMG Guidelines, 2015. Collection method: clinical testing. Allele origin: unknown.

GeneDx
Classification: Uncertain significance. Last evaluated: 2019-09-17. Review status: criteria provided, single submitter. Criteria: GeneDx Variant Classification Process June 2021. Collection method: clinical testing. Allele origin: germline. Affected: yes.
Comment: In silico analysis, which includes protein predictors and evolutionary conservation, supports a deleterious effect; Has not been previously published as pathogenic or benign to our knowledge